The following is an entry in ClinVar:

NM_133510.4(RAD51B):c.589G>A (p.Glu197Lys)

Gene: RAD51B (RAD51 paralog B; plus strand). Cytogenetic location: 14q24.1.
Variant type: single nucleotide variant.
Coding change: c.589G>A on transcript NM_133510.4 (MANE Select); coding-DNA position 589, G replaced by A.
Protein change: p.Glu197Lys; replaces glutamic acid 197 with lysine.
Molecular consequence: missense variant.
Genome position (GRCh38, 1-based): chr14:67,887,037, G>A. VCF-style: chr14-67887037-G-A. GRCh37 (hg19) VCF-style: chr14-68353754-G-A.
Other names: c.589G>A, p.Glu197Lys (NM_001321809.2, NM_001321810.2, NM_001321812.1 and 6 more transcripts); c.475G>A, p.Glu159Lys (NM_001321815.1); c.232G>A, p.Glu78Lys (NM_001321817.2); short protein forms E197K, E159K, E78K.
Identifiers: ClinVar variation 3429656 (VCV003429656.1).
Genomic context (GRCh38, chr14:67,887,037, plus strand): 5'-TTATCTTAAATTTATTGACTATTTTATAAATTCTTCTTTTATAGGATTGAATCTTTGGAA[G>A]AAGAAATTATCTCAAAAGGAATTAAACTTGTGATTCTTGACTCTGTTGCTTCTGTGGTCA-3'
Protein context (NP_598194.1, residues 187-207): EVLQRIESLE[Glu197Lys]EIISKGIKLV

ClinVar aggregate classification (germline): Uncertain significance (1 of 4 stars; one submission).

gnomAD v4.1: 1 of 1,509,590 alleles (0.000066%); highest among the groups gnomAD compares: Non-Finnish European, 0.00009%; no homozygotes.

Submission:

Ambry Genetics
Classification: Uncertain significance. Last evaluated: 2024-11-27. Review status: criteria provided, single submitter. Criteria: Ambry Variant Classification Scheme 2023. Collection method: clinical testing. Allele origin: germline.
Comment: The p.E197K variant (also known as c.589G>A), located in coding exon 6 of the RAD51B gene, results from a G to A substitution at nucleotide position 589. The glutamic acid at codon 197 is replaced by lysine, an amino acid with similar properties. This amino acid position is conserved. In addition, the in silico prediction for this alteration is inconclusive. Based on the available evidence, the clinical significance of this variant remains unclear.